The following is an entry in ClinVar:

ClinVar aggregate classification (germline): Uncertain significance (1 of 4 stars; one submission).

Conditions:
Inborn genetic diseases. Identifiers: MedGen C0950123, MeSH D030342.

gnomAD v4.1: 1 of 1,614,110 alleles (0.000062%); highest among the groups gnomAD compares: Non-Finnish European, 0.000085%; no homozygotes.

Submission:

Ambry Genetics
Classification: Uncertain significance for Inborn genetic diseases. Last evaluated: 2026-04-20. Review status: criteria provided, single submitter. Criteria: Ambry Variant Classification Scheme 2023. Collection method: clinical testing. Allele origin: germline.
Comment: The c.35G>A (p.R12Q) alteration is located in exon 2 (coding exon 1) of the AP1G1 gene. This alteration results from a G to A substitution at nucleotide position 35, causing the arginine (R) at amino acid position 12 to be replaced by a glutamine (Q). This variant was not reported in population-based cohorts in the Genome Aggregation Database (gnomAD). This amino acid position is highly conserved in available vertebrate species. This missense variant is located in a region that has a low rate of benign missense variation (Lek, 2016; Firth, 2009). The in silico prediction for this alteration is inconclusive. Based on insufficient or conflicting evidence, the clinical significance of this alteration remains unclear.

NM_001128.6(AP1G1):c.35G>A (p.Arg12Gln)

Gene: AP1G1 (adaptor related protein complex 1 subunit gamma 1; minus strand). Cytogenetic location: 16q22.2.
Variant type: single nucleotide variant.
Coding change: c.35G>A on transcript NM_001128.6 (MANE Select); coding-DNA position 35, G replaced by A.
Protein change: p.Arg12Gln; replaces arginine 12 with glutamine.
Molecular consequence: missense variant.
Genome position (GRCh38, 1-based): chr16:71,789,445, C>T on the plus strand (G>A on the coding strand, the complement: AP1G1 is on the minus strand). VCF-style: chr16-71789445-C-T. GRCh37 (hg19) VCF-style: chr16-71823348-C-T.
Other names: c.35G>A, p.Arg12Gln (NM_001030007.2); short protein forms R12Q.
Identifiers: ClinVar variation 4860155 (VCV004860155.1).